The following is an entry in ClinVar:

ClinVar aggregate classification (germline): Uncertain significance (1 of 4 stars; one submission).

Conditions:
Leigh syndrome (NULS). Also called: Leigh's necrotizing encephalopathy; Leigh's disease; Leigh Syndrome (mtDNA deletion); Subacute necrotizing encephalopathy; Necrotizing encephalopathy infantile subacute of Leigh; Leigh's syndrome. Identifiers: Orphanet 506, MedGen C2931891, MONDO:0009723, OMIM 256000.

Allele frequency attached by ClinVar (database versions not stated): gnomAD exomes 0.00001; TOPMed 0.00003; gnomAD 0.00005; 1000 Genomes Project 30x 0.00031.

Submission:

Labcorp Genetics (formerly Invitae), Labcorp
Classification: Uncertain significance for Leigh syndrome. Last evaluated: 2022-10-25. Review status: criteria provided, single submitter. Criteria: Invitae Variant Classification Sherloc (09022015). Collection method: clinical testing. Allele origin: germline.
Comment: This sequence change replaces methionine, which is neutral and non-polar, with threonine, which is neutral and polar, at codon 139 of the SURF1 protein (p.Met139Thr). This variant is present in population databases (rs199644890, gnomAD 0.02%). This variant has not been reported in the literature in individuals affected with SURF1-related conditions. Advanced modeling of protein sequence and biophysical properties (such as structural, functional, and spatial information, amino acid conservation, physicochemical variation, residue mobility, and thermodynamic stability) performed at Invitae indicates that this missense variant is not expected to disrupt SURF1 protein function. In summary, the available evidence is currently insufficient to determine the role of this variant in disease. Therefore, it has been classified as a Variant of Uncertain Significance.

NM_003172.4(SURF1):c.416T>C (p.Met139Thr)

Gene: SURF1 (SURF1 cytochrome c oxidase assembly factor; minus strand). Cytogenetic location: 9q34.2.
Variant type: single nucleotide variant.
Coding change: c.416T>C on transcript NM_003172.4 (MANE Select); coding-DNA position 416, T replaced by C.
Protein change: p.Met139Thr; replaces methionine 139 with threonine.
Molecular consequence: missense variant.
Genome position (GRCh38, 1-based): chr9:133,353,848, A>G on the plus strand (T>C on the coding strand, the complement: SURF1 is on the minus strand). VCF-style: chr9-133353848-A-G. GRCh37 (hg19) VCF-style: chr9-136220703-A-G.
Other names: c.89T>C, p.Met30Thr (NM_001280787.1); short protein forms M139T, M30T.
Identifiers: ClinVar variation 2047800 (VCV002047800.1), dbSNP rs199644890, ClinGen allele CA200833039.
Genomic context (GRCh38, chr9:133,353,848, plus strand): 5'-CCACTCTGAGTTGAGGAGGAGATGAGGCCGCCCTCCCGGGCCTCCCGGACAGGGTCCACC[A>G]TGGTCCGGGGCATCATATACAGCTCCTTGGAATGGTCAAAGCACCCCCTGACCTTCACTG-3'
Protein context (NP_003163.1, residues 129-149): SKELYMMPRT[Met139Thr]VDPVREAREG